The following is an entry in ClinVar:

NM_005055.5(RAPSN):c.600G>C (p.Trp200Cys)

Gene: RAPSN (receptor associated protein of the synapse; minus strand). Cytogenetic location: 11p11.2.
Variant type: single nucleotide variant.
Coding change: c.600G>C on transcript NM_005055.5 (MANE Select); coding-DNA position 600, G replaced by C.
Protein change: p.Trp200Cys; replaces tryptophan 200 with cysteine.
Molecular consequence: missense variant.
Genome position (GRCh38, 1-based): chr11:47,442,746, C>G on the plus strand (G>C on the coding strand, the complement: RAPSN is on the minus strand). VCF-style: chr11-47442746-C-G. GRCh37 (hg19) VCF-style: chr11-47464298-C-G.
Other names: c.600G>C (NM_005055.4); c.600G>C, p.Trp200Cys (NM_032645.5); short protein forms W200C.
Identifiers: ClinVar variation 2139893 (VCV002139893.7), dbSNP rs200603527, ClinGen allele CA380332249.

ClinVar aggregate classification (germline): Uncertain significance. Review status: criteria provided, multiple submitters, no conflicts (2 of 4 stars). 4 submissions from 4 submitters: Uncertain significance (4). Last evaluated 2025-01-09.

Conditions:
Congenital myasthenic syndrome 11. Also called: Myasthenic syndrome, congenital, 11, associated with acetylcholine receptor deficiency; MYASTHENIC SYNDROME, CONGENITAL, Ie. Identifiers: Orphanet 590, MedGen C4225367, MONDO:0014588, OMIM 616326.
Fetal akinesia deformation sequence 1 (FADS1). Also called: Fetal akinesia sequence; Pena-Shokeir syndrome type I. Identifiers: Orphanet 994, MedGen C1276035, MONDO:0100101, OMIM 208150, HP:0001989.
Fetal akinesia deformation sequence 2. Identifiers: MedGen C4760576, MONDO:0100102, OMIM 618388.

Submissions (4):

Revvity Omics, Revvity
Classification: Uncertain significance. Last evaluated: 2025-01-09. Review status: criteria provided, single submitter. Criteria: ACMG Guidelines, 2015. Collection method: clinical testing. Allele origin: germline.

GeneDx
Classification: Uncertain significance. Last evaluated: 2023-11-07. Review status: criteria provided, single submitter. Criteria: GeneDx Variant Classification Process June 2021. Collection method: clinical testing. Allele origin: germline. Affected: yes.
Comment: Not observed at significant frequency in large population cohorts (gnomAD); In silico analysis supports that this missense variant has a deleterious effect on protein structure/function; Has not been previously published as pathogenic or benign to our knowledge

Labcorp Genetics (formerly Invitae), Labcorp
Classification: Uncertain significance for Congenital myasthenic syndrome 11; Fetal akinesia deformation sequence 1. Last evaluated: 2022-01-13. Review status: criteria provided, single submitter. Criteria: Invitae Variant Classification Sherloc (09022015). Collection method: clinical testing. Allele origin: germline.
Comment: This sequence change replaces tryptophan, which is neutral and slightly polar, with cysteine, which is neutral and slightly polar, at codon 200 of the RAPSN protein (p.Trp200Cys). This variant is present in population databases (no rsID available, gnomAD 0.006%). This variant has not been reported in the literature in individuals affected with RAPSN-related conditions. Algorithms developed to predict the effect of missense changes on protein structure and function are either unavailable or do not agree on the potential impact of this missense change (SIFT: "Deleterious"; PolyPhen-2: "Probably Damaging"; Align-GVGD: "Class C0"). In summary, the available evidence is currently insufficient to determine the role of this variant in disease. Therefore, it has been classified as a Variant of Uncertain Significance.

Juno Genomics, Hangzhou Juno Genomics, Inc
Classification: Uncertain significance for Fetal akinesia deformation sequence 2; Congenital myasthenic syndrome 11. Review status: criteria provided, single submitter. Criteria: ACMG Guidelines, 2015. Collection method: clinical testing. Allele origin: germline. Affected: yes.
Comment: Absent from controls (or at extremely low frequency if recessive) in Genome Aggregation Database, Exome Sequencing Project, 1000 Genomes Project, or Exome Aggregation Consortium.;Patient's phenotype or family history is highly specific for a disease with a single genetic etiology.